The following is an entry in ClinVar:

NM_014727.3(KMT2B):c.4534G>A (p.Asp1512Asn)

Gene: KMT2B (lysine methyltransferase 2B; plus strand). Cytogenetic location: 19q13.12.
Variant type: single nucleotide variant.
Coding change: c.4534G>A on transcript NM_014727.3 (MANE Select); coding-DNA position 4534, G replaced by A.
Protein change: p.Asp1512Asn; replaces aspartic acid 1512 with asparagine.
Molecular consequence: missense variant.
Genome position (GRCh38, 1-based): chr19:35,728,134, G>A. VCF-style: chr19-35728134-G-A. GRCh37 (hg19) VCF-style: chr19-36219035-G-A.
Other names: short protein forms D1512N.
Identifiers: ClinVar variation 1712799 (VCV001712799.7), dbSNP rs1456547984, ClinGen allele CA405414598.

ClinVar aggregate classification (germline): Conflicting classifications of pathogenicity. Review status: criteria provided, conflicting classifications (1 of 4 stars). 2 submissions from 2 submitters: Uncertain significance (1); Likely benign (1). Last evaluated 2022-08-22.

Allele frequency attached by ClinVar (database versions not stated): gnomAD 0.00001.
gnomAD v4.1: 9 of 1,600,612 alleles (0.00056%); highest among the groups gnomAD compares: Non-Finnish European, 0.00068%; no homozygotes.

Submissions (2):

Labcorp Genetics (formerly Invitae), Labcorp
Classification: Likely benign. Last evaluated: 2022-08-22. Review status: criteria provided, single submitter. Criteria: Invitae Variant Classification Sherloc (09022015). Collection method: clinical testing. Allele origin: germline.

GeneDx
Classification: Uncertain significance. Last evaluated: 2022-04-29. Review status: criteria provided, single submitter. Criteria: GeneDx Variant Classification Process June 2021. Collection method: clinical testing. Allele origin: germline. Affected: yes.
Comment: Not observed at significant frequency in large population cohorts (gnomAD); In silico analysis supports that this missense variant does not alter protein structure/function; Has not been previously published as pathogenic or benign to our knowledge